The following is an entry in ClinVar:

NM_001372044.2(SHANK3):c.1511C>T (p.Ala504Val)

Gene: SHANK3 (SH3 and multiple ankyrin repeat domains 3; plus strand). Cytogenetic location: 22q13.33.
Variant type: single nucleotide variant.
Coding change: c.1511C>T on transcript NM_001372044.2 (MANE Select); coding-DNA position 1511, C replaced by T.
Protein change: p.Ala504Val; replaces alanine 504 with valine.
Molecular consequence: missense variant.
Genome position (GRCh38, 1-based): chr22:50,695,030, C>T. VCF-style: chr22-50695030-C-T. GRCh37 (hg19) VCF-style: chr22-51133458-C-T.
Other names: c.1286C>T, p.Ala429Val (NM_033517.1); short protein forms A429V, A504V.
Identifiers: ClinVar variation 2444811 (VCV002444811.1), dbSNP rs2518393655, ClinGen allele CA515253299.
Genomic context (GRCh38, chr22:50,695,030, plus strand): 5'-AAGATCGTGACCGGGATGCCGACCAGGAGAGCAACATCAGTGGCCCTTTAGCAGGCAGGG[C>T]CGGCCAAAGCAAGATCAGGTAGGAGGGGGCTGGCAGGCCCTGGAGGGGTTGGGAGGGTGG-3'
Protein context (NP_001358973.1, residues 494-514): SNISGPLAGR[Ala504Val]GQSKISPSGP

ClinVar aggregate classification (germline): Uncertain significance (1 of 4 stars; one submission).

Submission:

GeneDx
Classification: Uncertain significance. Last evaluated: 2022-09-19. Review status: criteria provided, single submitter. Criteria: GeneDx Variant Classification Process June 2021. Collection method: clinical testing. Allele origin: germline. Affected: yes.
Comment: Not observed at significant frequency in large population cohorts (gnomAD); In silico analysis supports that this missense variant does not alter protein structure/function; Has not been previously published as pathogenic or benign to our knowledge